The following is an entry in ClinVar:

NM_000059.4(BRCA2):c.603del (p.Thr203fs)

Gene: BRCA2 (BRCA2 DNA repair associated; plus strand). Cytogenetic location: 13q13.1.
Variant type: Deletion.
Coding change: c.603del on transcript NM_000059.4 (MANE Select); coding-DNA position 603, one base deleted (A; older notation c.603delA).
Protein change: p.Thr203fs; shifts the reading frame from threonine 203.
Molecular consequence: frameshift variant.
Genome position (GRCh38, 1-based): chr13:32,326,585, A deleted. VCF-style (leftmost placement, unchanged base first): chr13-32326584-CA-C. GRCh37 (hg19) VCF-style: chr13-32900721-CA-C.
Other names: short protein forms T203fs.
Identifiers: ClinVar variation 935808 (VCV000935808.8), dbSNP rs2072350917, ClinGen allele CA1139663064.

ClinVar aggregate classification (germline): Pathogenic (1 of 4 stars; one submission).

Conditions:
Hereditary breast ovarian cancer syndrome. Also called: BRCA1- and BRCA2-Associated Hereditary Breast and Ovarian Cancer; Hereditary breast and/or ovarian cancer syndrome; Hereditary breast and ovarian cancer syndrome; Hereditary breast and ovarian cancer; Breast and ovarian cancer; Hereditary breast and ovarian cancer syndrome (HBOC). Identifiers: Orphanet 145, MedGen C0677776, MeSH D061325, MONDO:0003582. Disease mechanism: loss of function.

Submission:

Labcorp Genetics (formerly Invitae), Labcorp
Classification: Pathogenic for Hereditary breast ovarian cancer syndrome. Last evaluated: 2024-04-30. Review status: criteria provided, single submitter. Criteria: Invitae Variant Classification Sherloc (09022015). Collection method: clinical testing. Allele origin: germline.
Comment: This sequence change creates a premature translational stop signal (p.Thr203Profs*8) in the BRCA2 gene. It is expected to result in an absent or disrupted protein product. Loss-of-function variants in BRCA2 are known to be pathogenic (PMID: 20104584). This variant is not present in population databases (gnomAD no frequency). This variant has not been reported in the literature in individuals affected with BRCA2-related conditions. ClinVar contains an entry for this variant (Variation ID: 935808). Algorithms developed to predict the effect of sequence changes on RNA splicing suggest that this variant may disrupt the consensus splice site. For these reasons, this variant has been classified as Pathogenic.

Literature cited by the submitters: PubMed 20104584.